The following is an entry in ClinVar:

NM_005235.3(ERBB4):c.1946+6A>G

Gene: ERBB4 (erb-b2 receptor tyrosine kinase 4; minus strand). Cytogenetic location: 2q34.
Variant type: single nucleotide variant.
Coding change: c.1946+6A>G on transcript NM_005235.3 (MANE Select); 6 bases into the intron after coding-DNA position 1946, A replaced by G.
Molecular consequence: intron variant.
Genome position (GRCh38, 1-based): chr2:211,657,748, T>C on the plus strand (A>G on the coding strand, the complement: ERBB4 is on the minus strand). VCF-style: chr2-211657748-T-C. GRCh37 (hg19) VCF-style: chr2-212522473-T-C.
Other names: c.1946+6A>G (NM_001042599.2); c.1916+202A>G (NM_001439006.1, NM_001439005.1).
Identifiers: ClinVar variation 3623243 (VCV003623243.2).
Genomic context (GRCh38, chr2:211,657,748, plus strand): 5'-GTACTTTTTGTTCATGATAACTAGGAAAGGATTTGAGCGACAAAATGGAAACATGGTAGA[T>C]GTTACCTAGCATGTTGTGGTAAAGTGGAATGGCCCGTCCATGGGTAGTAAATGCAGTCAT-3'

ClinVar aggregate classification (germline): Uncertain significance (1 of 4 stars; one submission).

gnomAD v4.1: 7 of 1,608,740 alleles (0.00044%); highest among the groups gnomAD compares: African/African-American, 0.0013%; no homozygotes.

Submission:

Labcorp Genetics (formerly Invitae), Labcorp
Classification: Uncertain significance. Last evaluated: 2024-10-23. Review status: criteria provided, single submitter. Criteria: Invitae Variant Classification Sherloc (09022015). Collection method: clinical testing. Allele origin: germline.
Comment: This sequence change falls in intron 16 of the ERBB4 gene. It does not directly change the encoded amino acid sequence of the ERBB4 protein. It affects a nucleotide within the consensus splice site. This variant is not present in population databases (gnomAD no frequency). This variant has not been reported in the literature in individuals affected with ERBB4-related conditions. Variants that disrupt the consensus splice site are a relatively common cause of aberrant splicing (PMID: 17576681, 9536098). Algorithms developed to predict the effect of sequence changes on RNA splicing suggest that this variant is not likely to affect RNA splicing. In summary, the available evidence is currently insufficient to determine the role of this variant in disease. Therefore, it has been classified as a Variant of Uncertain Significance.

Literature cited by the submitters: PubMed 17576681; PubMed 9536098.